The following is an entry in ClinVar:

ClinVar aggregate classification (germline): Uncertain significance (1 of 4 stars; one submission).

Submission:

Labcorp Genetics (formerly Invitae), Labcorp
Classification: Uncertain significance. Last evaluated: 2024-04-16. Review status: criteria provided, single submitter. Criteria: Invitae Variant Classification Sherloc (09022015). Collection method: clinical testing. Allele origin: germline.
Comment: This sequence change replaces arginine, which is basic and polar, with glycine, which is neutral and non-polar, at codon 2027 of the POLE protein (p.Arg2027Gly). This variant is not present in population databases (gnomAD no frequency). This variant has not been reported in the literature in individuals affected with POLE-related conditions. An algorithm developed to predict the effect of missense changes on protein structure and function (PolyPhen-2) suggests that this variant is likely to be tolerated. Algorithms developed to predict the effect of sequence changes on RNA splicing suggest that this variant may disrupt the consensus splice site. In summary, the available evidence is currently insufficient to determine the role of this variant in disease. Therefore, it has been classified as a Variant of Uncertain Significance.

NM_006231.4(POLE):c.6079A>G (p.Arg2027Gly)

Gene: POLE (DNA polymerase epsilon, catalytic subunit; minus strand). Cytogenetic location: 12q24.33.
Variant type: single nucleotide variant.
Coding change: c.6079A>G on transcript NM_006231.4 (MANE Select); coding-DNA position 6079, A replaced by G.
Protein change: p.Arg2027Gly; replaces arginine 2027 with glycine.
Molecular consequence: missense variant.
Genome position (GRCh38, 1-based): chr12:132,632,721, T>C on the plus strand (A>G on the coding strand, the complement: POLE is on the minus strand). VCF-style: chr12-132632721-T-C. GRCh37 (hg19) VCF-style: chr12-133209307-T-C.
Other names: short protein forms R2027G.
Identifiers: ClinVar variation 3650067 (VCV003650067.2).